The following is an entry in ClinVar:

ClinVar aggregate classification (germline): Conflicting classifications of pathogenicity. Review status: criteria provided, conflicting classifications (1 of 4 stars). 4 submissions from 4 submitters: Uncertain significance (3); Likely benign (1). Last evaluated 2025-08-19.

Conditions:
Hereditary breast ovarian cancer syndrome. Also called: Hereditary breast and ovarian cancer; BRCA1- and BRCA2-Associated Hereditary Breast and Ovarian Cancer; Hereditary breast and ovarian cancer syndrome (HBOC); Hereditary breast and ovarian cancer syndrome; Breast and ovarian cancer; Hereditary breast and/or ovarian cancer syndrome. Identifiers: Orphanet 145, MedGen C0677776, MeSH D061325, MONDO:0003582. Disease mechanism: loss of function.
Hereditary cancer-predisposing syndrome. Also called: Hereditary Cancer Syndrome; Hereditary neoplastic syndrome; Neoplastic Syndromes, Hereditary; Tumor predisposition. Identifiers: Orphanet 140162, MedGen C0027672, MeSH D009386, MONDO:0015356.

Allele frequency attached by ClinVar (database versions not stated): TOPMed below 0.00001; gnomAD 0.00001.
gnomAD v4.1: 1 of 1,613,650 alleles (0.000062%); highest among the groups gnomAD compares: African/African-American, 0.0013%; no homozygotes.

Submissions (4):

Color Diagnostics, LLC DBA Color Health
Classification: Uncertain significance for Hereditary cancer-predisposing syndrome. Last evaluated: 2025-08-19. Review status: criteria provided, single submitter. Criteria: ACMG Guidelines, 2015. Collection method: clinical testing. Allele origin: germline.
Comment: This missense variant replaces proline with arginine at codon 2036 of the BRCA2 protein. Computational prediction suggests that this variant may not impact protein structure and function. To our knowledge, functional studies have not been reported for this variant. A multifactorial analysis has reached a combined likelihood ratio (LR) of 0.636 based on reported LR for co-occurrence with a pathogenic variant and family history (PMID: 31131967). This variant has been identified in 1/31398 chromosomes in the general population by the Genome Aggregation Database (gnomAD). The available evidence is insufficient to determine the role of this variant in disease conclusively. Therefore, this variant is classified as a Variant of Uncertain Significance.

Labcorp Genetics (formerly Invitae), Labcorp
Classification: Uncertain significance for Hereditary breast ovarian cancer syndrome. Last evaluated: 2025-06-04. Review status: criteria provided, single submitter. Criteria: Invitae Variant Classification Sherloc (09022015). Collection method: clinical testing. Allele origin: germline.
Comment: This sequence change replaces proline, which is neutral and non-polar, with arginine, which is basic and polar, at codon 2036 of the BRCA2 protein (p.Pro2036Arg). This variant is present in population databases (no rsID available, gnomAD 0.01%). This variant has not been reported in the literature in individuals affected with BRCA2-related conditions. ClinVar contains an entry for this variant (Variation ID: 1751648). Invitae Evidence Modeling of protein sequence and biophysical properties (such as structural, functional, and spatial information, amino acid conservation, physicochemical variation, residue mobility, and thermodynamic stability) indicates that this missense variant is not expected to disrupt BRCA2 protein function with a negative predictive value of 95%. In summary, the available evidence is currently insufficient to determine the role of this variant in disease. Therefore, it has been classified as a Variant of Uncertain Significance.

Ambry Genetics
Classification: Uncertain significance for Hereditary cancer-predisposing syndrome. Last evaluated: 2024-01-06. Review status: criteria provided, single submitter. Criteria: Ambry Variant Classification Scheme 2023. Collection method: clinical testing. Allele origin: germline.
Comment: The p.P2036R variant (also known as c.6107C>G), located in coding exon 10 of the BRCA2 gene, results from a C to G substitution at nucleotide position 6107. The proline at codon 2036 is replaced by arginine, an amino acid with dissimilar properties. This amino acid position is not well conserved in available vertebrate species. In addition, this alteration is predicted to be tolerated by in silico analysis. Since supporting evidence is limited at this time, the clinical significance of this alteration remains unclear.

University of Washington Department of Laboratory Medicine, University of Washington
Classification: Likely benign for Hereditary cancer-predisposing syndrome. Last evaluated: 2023-03-23. Review status: criteria provided, single submitter. Criteria: Dines et al. (Genet Med. 2020). Collection method: curation. Allele origin: germline.
Comment: Missense variant in a coldspot region where missense variants are very unlikely to be pathogenic (PMID:31911673).

BRCA2 exon 11 coldspot. Reclassification based on statistical prior probability.

Literature cited by the submitters: PubMed 31131967 (cited by Color Diagnostics, LLC DBA Color Health).

NM_000059.4(BRCA2):c.6107C>G (p.Pro2036Arg)

Gene: BRCA2 (BRCA2 DNA repair associated; plus strand). Cytogenetic location: 13q13.1.
Variant type: single nucleotide variant.
Coding change: c.6107C>G on transcript NM_000059.4 (MANE Select); coding-DNA position 6107, C replaced by G.
Protein change: p.Pro2036Arg; replaces proline 2036 with arginine.
Molecular consequence: missense variant.
Genome position (GRCh38, 1-based): chr13:32,340,462, C>G. VCF-style: chr13-32340462-C-G. GRCh37 (hg19) VCF-style: chr13-32914599-C-G.
Other names: c.6107C>G, p.Pro2036Arg (NM_001406719.1, NM_001406720.1); short protein forms P2036R.
Identifiers: ClinVar variation 1751648 (VCV001751648.10), dbSNP rs1455395828, ClinGen allele CA387788115.